The following is an entry in ClinVar:

NM_002755.4(MAP2K1):c.1023-4T>A

Gene: MAP2K1 (mitogen-activated protein kinase kinase 1; plus strand). Cytogenetic location: 15q22.31.
Variant type: single nucleotide variant.
Coding change: c.1023-4T>A on transcript NM_002755.4 (MANE Select); 4 bases into the intron before coding-DNA position 1023, T replaced by A.
Molecular consequence: intron variant.
Genome position (GRCh38, 1-based): chr15:66,489,714, T>A. VCF-style: chr15-66489714-T-A. GRCh37 (hg19) VCF-style: chr15-66782052-T-A.
Other names: c.879-4T>A (NM_001411065.1).
Identifiers: ClinVar variation 2672171 (VCV002672171.4), dbSNP rs1462240441, ClinGen allele CA618958632.

ClinVar aggregate classification (germline): Conflicting classifications of pathogenicity. Review status: criteria provided, conflicting classifications (1 of 4 stars). 2 submissions from 2 submitters: Uncertain significance (1); Likely benign (1). Last evaluated 2025-12-22.

Conditions:
Cardiofaciocutaneous syndrome 3 (CFC3). Also called: MAP2K1-Related Cardiofaciocutaneous Syndrome. Identifiers: Orphanet 1340, MedGen C3809006, MONDO:0014113, OMIM 615279.
RASopathy. Also called: rasopathies; Noonan spectrum disorder. Identifiers: Orphanet 536391, MedGen C5555857, MONDO:0021060.

Allele frequency attached by ClinVar (database versions not stated): TOPMed 0.00001; gnomAD 0.00001.
gnomAD v4.1: 23 of 1,612,866 alleles (0.0014%); highest among the groups gnomAD compares: South Asian, 0.0044%; no homozygotes.

Submissions (2):

Labcorp Genetics (formerly Invitae), Labcorp
Classification: Likely benign for RASopathy. Last evaluated: 2025-12-22. Review status: criteria provided, single submitter. Criteria: Invitae Variant Classification Sherloc (09022015). Collection method: clinical testing. Allele origin: germline.

Clinical Genomics Laboratory, Washington University in St. Louis
Classification: Uncertain significance for Cardiofaciocutaneous syndrome 3. Last evaluated: 2023-10-26. Review status: criteria provided, single submitter. Criteria: ACMG Guidelines, 2015. Collection method: clinical testing. Allele origin: germline.
Comment: A MAP2K1 c.1023-4T>A variant was identified at a near heterozygous allelic fraction of 49%, which may be consistent with germline origin. To our knowledge, this variant has not been reported in the medical literature in relation to MAP2K1-related disease. This variant is only observed on 2/152,174 alleles in the general population (gnomAD v.3.1.2), indicating it is not a common variant. Computational predictors indicate that the variant has no impact on splicing, evidence that this variant may not have a damaging effect on MAP2K1 function. Due to limited information, and based on ACMG/AMP guidelines for variant interpretation (Richards S et al., PMID: 25741868) and based on ClinGen's RASopathy expert panel (Gelb BD et al. PMID: 29493581), the clinical significance of this variant is uncertain at this time.